The following is an entry in ClinVar:

ClinVar aggregate classification (germline): Uncertain significance (1 of 4 stars; one submission).

Conditions:
Frontotemporal dementia and/or amyotrophic lateral sclerosis 6 (FTDALS6). Also called: VCP-Related Amyotrophic Lateral Sclerosis; VCP-Related Amyotrophic Lateral Sclerosis/Frontotemporal Dementia. Identifiers: Orphanet 275872, Orphanet 803, MedGen C5436279, MONDO:0013501, OMIM 613954.
Inclusion body myopathy with Paget disease of bone and frontotemporal dementia. Also called: Inclusion body myopathy with early-onset Paget disease and frontotemporal dementia. Identifiers: Orphanet 52430, MedGen C1833662, MONDO:0000507.

Allele frequency attached by ClinVar (database versions not stated): gnomAD exomes below 0.00001; TOPMed 0.00001.
gnomAD v4.1: 2 of 1,614,132 alleles (0.00012%); highest among the groups gnomAD compares: Admixed American, 0.0017%; no homozygotes.

Submission:

Labcorp Genetics (formerly Invitae), Labcorp
Classification: Uncertain significance for Inclusion body myopathy with Paget disease of bone and frontotemporal dementia; Frontotemporal dementia and/or amyotrophic lateral sclerosis 6. Last evaluated: 2023-05-23. Review status: criteria provided, single submitter. Criteria: Invitae Variant Classification Sherloc (09022015). Collection method: clinical testing. Allele origin: germline.
Comment: In summary, the available evidence is currently insufficient to determine the role of this variant in disease. Therefore, it has been classified as a Variant of Uncertain Significance. Advanced modeling of protein sequence and biophysical properties (such as structural, functional, and spatial information, amino acid conservation, physicochemical variation, residue mobility, and thermodynamic stability) performed at Invitae indicates that this missense variant is not expected to disrupt VCP protein function. ClinVar contains an entry for this variant (Variation ID: 1357446). This variant has not been reported in the literature in individuals affected with VCP-related conditions. This variant is present in population databases (no rsID available, gnomAD 0.007%). This sequence change replaces proline, which is neutral and non-polar, with serine, which is neutral and polar, at codon 104 of the VCP protein (p.Pro104Ser).

NM_007126.5(VCP):c.310C>T (p.Pro104Ser)

Gene: VCP (valosin containing protein; minus strand). Cytogenetic location: 9p13.3.
Variant type: single nucleotide variant.
Coding change: c.310C>T on transcript NM_007126.5 (MANE Select); coding-DNA position 310, C replaced by T.
Protein change: p.Pro104Ser; replaces proline 104 with serine.
Molecular consequence: missense variant.
Genome position (GRCh38, 1-based): chr9:35,066,810, G>A on the plus strand (C>T on the coding strand, the complement: VCP is on the minus strand). VCF-style: chr9-35066810-G-A. GRCh37 (hg19) VCF-style: chr9-35066807-G-A.
Other names: c.175C>T, p.Pro59Ser (NM_001354927.2, NM_001354928.2); short protein forms P59S, P104S.
Identifiers: ClinVar variation 1357446 (VCV001357446.8), dbSNP rs1186937475, ClinGen allele CA373292746.